The following is an entry in ClinVar:

ClinVar aggregate classification (germline): Conflicting classifications of pathogenicity. Review status: criteria provided, conflicting classifications (1 of 4 stars). 6 submissions from 6 submitters: Uncertain significance (2); Likely benign (3). 1 of the submissions does not count toward it. Last evaluated 2026-03-25.

Conditions:
Retinal dystrophy. Also called: Inherited retinal dystrophy. Identifiers: Orphanet 71862, MedGen C0854723, MeSH D058499, MONDO:0019118, HP:0000556.
Cone-rod dystrophy 15 (CORD15). Identifiers: MedGen C3150912, MONDO:0013348, OMIM 613660.
CDHR1-related disorder. Also called: CDHR1-related condition.

Allele frequency attached by ClinVar (database versions not stated): ESP Exome Variant Server 0.00008; gnomAD 0.00013 and 0.00014; TOPMed 0.00023.
gnomAD v4.1: 246 of 1,614,076 alleles (0.015%); highest among the groups gnomAD compares: East Asian, 0.067%; no homozygotes.

Submissions (6):

PreventionGenetics, part of Exact Sciences
Classification: Likely benign for CDHR1-related condition. Last evaluated: 2026-03-25. Review status: criteria provided, single submitter. Criteria: ACMG Guidelines, 2015. Collection method: clinical testing. Allele origin: germline.
Comment: This variant is classified as likely benign based on ACMG/AMP sequence variant interpretation guidelines (Richards et al. 2015 PMID: 25741868, with internal and published modifications).

Labcorp Genetics (formerly Invitae), Labcorp
Classification: Likely benign. Last evaluated: 2025-12-24. Review status: criteria provided, single submitter. Criteria: Invitae Variant Classification Sherloc (09022015). Collection method: clinical testing. Allele origin: germline.

Blueprint Genetics
Classification: Likely benign. Last evaluated: 2024-11-27. Review status: criteria provided, single submitter. Criteria: ACMG Guidelines, 2015. Collection method: clinical testing. Allele origin: germline.

CeGaT Center for Human Genetics Tuebingen
Classification: Uncertain significance. Last evaluated: 2022-05-01. Review status: criteria provided, single submitter. Criteria: CeGaT Center For Human Genetics Tuebingen Variant Classification Criteria Version 2. Collection method: clinical testing. Allele origin: germline. Affected: yes. Observed: 1 variant allele.
Comment: CDHR1: PM2, BP4

Illumina Laboratory Services, Illumina
Classification: Uncertain significance for Cone-rod dystrophy 15. Last evaluated: 2018-01-13. Review status: criteria provided, single submitter. Criteria: ICSL Variant Classification Criteria 13 December 2019. Collection method: clinical testing. Allele origin: germline.

Institute of Human Genetics, Univ. Regensburg, Univ. Regensburg
Classification: Uncertain significance for Retinal dystrophy. Last evaluated: 2020-01-01. Review status: no assertion criteria provided. Criteria: ACMG Guidelines, 2015. Collection method: clinical testing. Allele origin: germline. Affected: yes. Not counted in ClinVar's aggregate classification.

NM_033100.4(CDHR1):c.1187A>G (p.Asn396Ser)

Gene: CDHR1 (cadherin related family member 1; plus strand). Cytogenetic location: 10q23.1.
Variant type: single nucleotide variant.
Coding change: c.1187A>G on transcript NM_033100.4 (MANE Select); coding-DNA position 1187, A replaced by G.
Protein change: p.Asn396Ser; replaces asparagine 396 with serine.
Molecular consequence: missense variant.
Genome position (GRCh38, 1-based): chr10:84,208,748, A>G. VCF-style: chr10-84208748-A-G. GRCh37 (hg19) VCF-style: chr10-85968504-A-G.
Other names: c.1187A>G, p.Asn396Ser (NM_001171971.3); short protein forms N396S.
Identifiers: ClinVar variation 879391 (VCV000879391.46), dbSNP rs145353541, ClinGen allele CA5579877.
Genomic context (GRCh38, chr10:84,208,748, plus strand): 5'-CATCATTCATCTTCCTTGTTTCCACTCTCCAAATTCTCTAGGGAGCCAATGCCAAATTCA[A>G]CTTGCAGCTGGTGGGACCCAGGGGCATCTTCCGAGTGGTTCCACAGACAGTCCTGAATGA-3'
Protein context (NP_149091.1, residues 386-406): DSDQGANAKF[Asn396Ser]LQLVGPRGIF